The following is an entry in ClinVar:

ClinVar aggregate classification (germline): Uncertain significance. Review status: criteria provided, multiple submitters, no conflicts (2 of 4 stars). 2 submissions from 2 submitters: Uncertain significance (2). Last evaluated 2022-01-07.

Conditions:
Holoprosencephaly spectrum disorder.
Holoprosencephaly 11 (HPE11). Identifiers: Orphanet 2162, MedGen C3280215, MONDO:0013642, OMIM 614226.

Submissions (2):

Illumina Laboratory Services, Illumina
Classification: Uncertain significance for Holoprosencephaly spectrum disorder. Last evaluated: 2022-01-07. Review status: criteria provided, single submitter. Criteria: ICSLVariantClassificationCriteria RUGD 01 April 2020. Collection method: clinical testing. Allele origin: unknown.
Comment: The CDON c.1220T>C (p.Ile407Thr) missense variant results in the substitution of isoleucine at amino acid position 407 with threonine. To our knowledge, this variant has not been reported in the peer-reviewed literature. This variant is not found in version 2.1.1 or version 3.1.2 of the Genome Aggregation Database. Incomplete penetrance and variable expressivity are reported for holoprosencephaly (Jones et al. 2016; Tekendo-Ngongang et al. 2020). Based on the available evidence, the c.1220T>C (p.Ile407Thr) variant is classified as a variant of uncertain significance for holoprosencephaly spectrum disorder.

Labcorp Genetics (formerly Invitae), Labcorp
Classification: Uncertain significance for Holoprosencephaly 11. Last evaluated: 2021-09-22. Review status: criteria provided, single submitter. Criteria: Invitae Variant Classification Sherloc (09022015). Collection method: clinical testing. Allele origin: germline.
Comment: This variant is not present in population databases (ExAC no frequency). This sequence change replaces isoleucine with threonine at codon 407 of the CDON protein (p.Ile407Thr). The isoleucine residue is highly conserved and there is a moderate physicochemical difference between isoleucine and threonine. In summary, the available evidence is currently insufficient to determine the role of this variant in disease. Therefore, it has been classified as a Variant of Uncertain Significance. Algorithms developed to predict the effect of missense changes on protein structure and function (SIFT, PolyPhen-2, Align-GVGD) all suggest that this variant is likely to be disruptive. This variant has not been reported in the literature in individuals affected with CDON-related conditions.

Literature cited by the submitters: PubMed 26728615 (cited by Illumina Laboratory Services, Illumina); PubMed 20301702 (cited by Illumina Laboratory Services, Illumina).

NM_001378964.1(CDON):c.1220T>C (p.Ile407Thr)

Gene: CDON (cell adhesion associated, oncogene regulated; minus strand). Cytogenetic location: 11q24.2.
Variant type: single nucleotide variant.
Coding change: c.1220T>C on transcript NM_001378964.1 (MANE Select); coding-DNA position 1220, T replaced by C.
Protein change: p.Ile407Thr; replaces isoleucine 407 with threonine.
Molecular consequence: missense variant.
Genome position (GRCh38, 1-based): chr11:126,010,673, A>G on the plus strand (T>C on the coding strand, the complement: CDON is on the minus strand). VCF-style: chr11-126010673-A-G. GRCh37 (hg19) VCF-style: chr11-125880568-A-G.
Other names: c.1220T>C, p.Ile407Thr (NM_001243597.3, NM_016952.6); short protein forms I407T.
Identifiers: ClinVar variation 1435766 (VCV001435766.8), dbSNP rs769903081, ClinGen allele CA383209892.
Genomic context (GRCh38, chr11:126,010,673, plus strand): 5'-TTGCAGGACAGAGTAACAAAGTCTCCGTCTGCAACCTTTGCACTTACTGGTGCCGTAATT[A>G]TAACTGGCTTGAATCCACCGTCTATTAAAAAAGTAATTCACATATGAAAAATGAAGAACA-3'
Protein context (NP_001365893.1, residues 397-417): IENDGGFKPV[Ile407Thr]ITAPVSAKVA